The following is an entry in ClinVar:

ClinVar aggregate classification (germline): Uncertain significance (1 of 4 stars; one submission).

Conditions:
Capillary malformation-arteriovenous malformation syndrome. Also called: Capillary malformation-arteriovenous malformation. Identifiers: Orphanet 137667, MedGen C1842180, MONDO:0012016.

gnomAD v4.1: 2 of 1,614,178 alleles (0.00012%); highest among the groups gnomAD compares: Non-Finnish European, 0.00017%; no homozygotes.

Submission:

Labcorp Genetics (formerly Invitae), Labcorp
Classification: Uncertain significance for Capillary malformation-arteriovenous malformation syndrome. Last evaluated: 2024-02-29. Review status: criteria provided, single submitter. Criteria: Invitae Variant Classification Sherloc (09022015). Collection method: clinical testing. Allele origin: germline.
Comment: This sequence change replaces isoleucine, which is neutral and non-polar, with threonine, which is neutral and polar, at codon 1001 of the RASA1 protein (p.Ile1001Thr). This variant is not present in population databases (gnomAD no frequency). This variant has not been reported in the literature in individuals affected with RASA1-related conditions. An algorithm developed to predict the effect of missense changes on protein structure and function (PolyPhen-2) suggests that this variant is likely to be tolerated. In summary, the available evidence is currently insufficient to determine the role of this variant in disease. Therefore, it has been classified as a Variant of Uncertain Significance.

NM_002890.3(RASA1):c.3002T>C (p.Ile1001Thr)

Genes: CCNH (cyclin H; minus strand), RASA1 (RAS p21 protein activator 1; plus strand). Cytogenetic location: 5q14.3.
Variant type: single nucleotide variant.
Coding change: c.3002T>C on transcript NM_002890.3 (MANE Select); coding-DNA position 3002, T replaced by C.
Protein change: p.Ile1001Thr; replaces isoleucine 1001 with threonine.
Molecular consequence: missense variant. On other transcripts: intron variant (1).
Genome position (GRCh38, 1-based): chr5:87,389,469, T>C. VCF-style: chr5-87389469-T-C. GRCh37 (hg19) VCF-style: chr5-86685286-T-C.
Other names: c.2471T>C, p.Ile824Thr (NM_022650.3); c.933+5575A>G (NM_001364075.2); short protein forms I1001T, I824T.
Identifiers: ClinVar variation 2833893 (VCV002833893.3), dbSNP rs755256220, ClinGen allele CA360388317.